The following is an entry in ClinVar:

NM_000179.3(MSH6):c.3239T>C (p.Leu1080Pro)

Gene: MSH6 (mutS homolog 6; plus strand). Cytogenetic location: 2p16.3.
Variant type: single nucleotide variant.
Coding change: c.3239T>C on transcript NM_000179.3 (MANE Select); coding-DNA position 3239, T replaced by C.
Protein change: p.Leu1080Pro; replaces leucine 1080 with proline.
Molecular consequence: missense variant.
Genome position (GRCh38, 1-based): chr2:47,803,486, T>C. VCF-style: chr2-47803486-T-C. GRCh37 (hg19) VCF-style: chr2-48030625-T-C.
Other names: c.2849T>C, p.Leu950Pro (NM_001281492.2); c.2333T>C, p.Leu778Pro (NM_001281493.2, NM_001281494.2, NM_001406811.1 and 6 more transcripts); c.3335T>C, p.Leu1112Pro (NM_001406795.1, NM_001406802.1); c.3239T>C, p.Leu1080Pro (NM_001406796.1, NM_001406800.1, NM_001406808.1 and 1 more transcripts); c.2942T>C, p.Leu981Pro (NM_001406797.1, NM_001406801.1, NM_001406805.1 and 10 more transcripts); c.2714T>C, p.Leu905Pro (NM_001406799.1, NM_001406806.1, NM_001406807.1); c.2375T>C, p.Leu792Pro (NM_001406803.1); c.3161T>C, p.Leu1054Pro (NM_001406804.1); and 6 more; short protein forms L1024P, L395P, L778P, L792P, L7P, L981P, L1082P, L1112P.
Identifiers: ClinVar variation 1729268 (VCV001729268.8), dbSNP rs770635149, ClinGen allele CA346758089.

ClinVar aggregate classification (germline): Uncertain significance. Review status: criteria provided, multiple submitters, no conflicts (2 of 4 stars). 2 submissions from 2 submitters: Uncertain significance (2). Last evaluated 2024-10-03.

Conditions:
Hereditary cancer-predisposing syndrome. Also called: Tumor predisposition; Neoplastic Syndromes, Hereditary; Hereditary Cancer Syndrome; Hereditary neoplastic syndrome. Identifiers: Orphanet 140162, MedGen C0027672, MeSH D009386, MONDO:0015356.
Hereditary nonpolyposis colorectal neoplasms. Identifiers: MedGen C0009405, MeSH D003123.

Submissions (2):

Ambry Genetics
Classification: Uncertain significance for Hereditary cancer-predisposing syndrome. Last evaluated: 2024-10-03. Review status: criteria provided, single submitter. Criteria: Ambry Variant Classification Scheme 2023. Collection method: clinical testing. Allele origin: germline.
Comment: The p.L1080P variant (also known as c.3239T>C), located in coding exon 5 of the MSH6 gene, results from a T to C substitution at nucleotide position 3239. The leucine at codon 1080 is replaced by proline, an amino acid with similar properties. This amino acid position is not well conserved in available vertebrate species. In addition, the in silico prediction for this alteration is inconclusive. Based on the available evidence, the clinical significance of this variant remains unclear.

Labcorp Genetics (formerly Invitae), Labcorp
Classification: Uncertain significance for Hereditary nonpolyposis colorectal neoplasms. Last evaluated: 2022-01-11. Review status: criteria provided, single submitter. Criteria: Invitae Variant Classification Sherloc (09022015). Collection method: clinical testing. Allele origin: germline.
Comment: This variant has not been reported in the literature in individuals affected with MSH6-related conditions. In summary, the available evidence is currently insufficient to determine the role of this variant in disease. Therefore, it has been classified as a Variant of Uncertain Significance. Advanced modeling of protein sequence and biophysical properties (such as structural, functional, and spatial information, amino acid conservation, physicochemical variation, residue mobility, and thermodynamic stability) performed at Invitae indicates that this missense variant is not expected to disrupt MSH6 protein function. This variant is not present in population databases (gnomAD no frequency). This sequence change replaces leucine, which is neutral and non-polar, with proline, which is neutral and non-polar, at codon 1080 of the MSH6 protein (p.Leu1080Pro).